The following is an entry in ClinVar:

NM_172369.5(C1QC):c.19delinsAA (p.Ser7fs)

Gene: C1QC (complement C1q C chain; plus strand). Cytogenetic location: 1p36.12.
Variant type: Indel.
Coding change: c.19delinsAA on transcript NM_172369.5 (MANE Select); coding-DNA position 19, T replaced by AA.
Protein change: p.Ser7fs; shifts the reading frame from serine 7.
Molecular consequence: frameshift variant. On other transcripts: intron variant (1).
Genome position (GRCh38, 1-based): chr1:22,644,042, T replaced by AA. VCF-style: chr1-22644042-T-AA. GRCh37 (hg19) VCF-style: chr1-22970535-T-AA.
Other names: c.19delinsAA, p.Ser7fs (NM_001114101.3, NM_001347619.2); c.-87+328delinsAA (NM_001347620.2); short protein forms S7fs.
Identifiers: ClinVar variation 2501741 (VCV002501741.1), dbSNP rs2522208564, ClinGen allele CA2580611426.

ClinVar aggregate classification (germline): Uncertain significance (1 of 4 stars; one submission).

Conditions:
C1Q deficiency. Identifiers: MedGen C3150902, MONDO:0013343.

Submission:

Center for Genomics, Ann and Robert H. Lurie Children's Hospital of Chicago
Classification: Uncertain significance for C1Q deficiency 1. Last evaluated: 2021-03-30. Review status: criteria provided, single submitter. Criteria: ACMG Guidelines, 2015. Collection method: clinical testing. Allele origin: germline.
Comment: C1QC NM_001114101.2 exon 2 p.Ser7Asn (c.19_20delinsAA): This variant has not been reported in the literature and is not present in large control databases. Evolutionary conservation and computational predictive tools suggest that this variant may not impact the protein. This variant represents an in-frame deletion and insertion of 2 nucleotides, resulting in a single amino acid substitution at position 7 and is not predicted to alter the reading frame. However, the effect of this variant on the protein is unclear. In summary, data on this variant is insufficient for disease classification. Therefore, the clinical significance of this variant is uncertain.